The following is an entry in ClinVar:

NM_001376571.1(MADD):c.1083A>G (p.Ala361=)

Gene: MADD (MAP kinase activating death domain; plus strand). Cytogenetic location: 11p11.2.
Variant type: single nucleotide variant.
Coding change: c.1083A>G on transcript NM_001376571.1 (MANE Select); coding-DNA position 1083, A replaced by G.
Protein change: p.Ala361=; no amino-acid change (alanine 361 retained).
Molecular consequence: synonymous variant. On other transcripts: non-coding transcript variant (8).
Genome position (GRCh38, 1-based): chr11:47,276,851, A>G. VCF-style: chr11-47276851-A-G. GRCh37 (hg19) VCF-style: chr11-47298402-A-G.
Other names: c.1083A>G, p.Ala361= (NM_001135943.2, NM_001135944.2, NM_001376572.1 and 80 more transcripts); c.879A>G, p.Ala293= (NM_001376620.1, NM_001376626.1, NM_001376627.1 and 9 more transcripts); c.417A>G, p.Ala139= (NM_001376663.1).
Identifiers: ClinVar variation 3055675 (VCV003055675.2), dbSNP rs34602269, ClinGen allele CA5974020.

ClinVar aggregate classification (germline): Benign (0 of 4 stars; one submission).

Conditions:
MADD-related disorder. Also called: MADD-Related Disorders; MADD-related condition.

Allele frequency attached by ClinVar (database versions not stated): 1000 Genomes Project 30x 0.00468; 1000 Genomes Project 0.00539; gnomAD 0.01127; ExAC 0.01139; TOPMed 0.01222; ESP Exome Variant Server 0.01254; gnomAD exomes 0.01482.
gnomAD v4.1: 23,418 of 1,614,118 alleles (1.5%); highest among the groups gnomAD compares: Non-Finnish European, 1.6%; 264 homozygotes.

Submission:

PreventionGenetics, part of Exact Sciences
Classification: Benign for MADD-related condition. Last evaluated: 2019-10-17. Review status: no assertion criteria provided. Collection method: clinical testing. Allele origin: germline.
Comment: This variant is classified as benign based on ACMG/AMP sequence variant interpretation guidelines (Richards et al. 2015 PMID: 25741868, with internal and published modifications).